The following is an entry in ClinVar:

NM_015047.3(EMC1):c.2912G>T (p.Gly971Val)

Genes: EMC1 (ER membrane protein complex subunit 1; minus strand), EMC1-AS1 (EMC1 antisense RNA 1; plus strand). Cytogenetic location: 1p36.13.
Variant type: single nucleotide variant.
Coding change: c.2912G>T on transcript NM_015047.3 (MANE Select); coding-DNA position 2912, G replaced by T.
Protein change: p.Gly971Val; replaces glycine 971 with valine.
Molecular consequence: missense variant.
Genome position (GRCh38, 1-based): chr1:19,219,373, C>A on the plus strand (G>T on the coding strand, the complement: EMC1 is on the minus strand). VCF-style: chr1-19219373-C-A. GRCh37 (hg19) VCF-style: chr1-19545867-C-A.
Other names: c.2909G>T, p.Gly970Val (NM_001271427.2, NM_001271428.2); c.2846G>T, p.Gly949Val (NM_001271429.2); c.2921G>T, p.Gly974Val (NM_001375820.1); c.2918G>T, p.Gly973Val (NM_001375821.1); short protein forms G949V, G971V, G974V, G970V, G973V.
Identifiers: ClinVar variation 2818851 (VCV002818851.3), dbSNP rs2536634656, ClinGen allele CA338748815.

ClinVar aggregate classification (germline): Uncertain significance (1 of 4 stars; one submission).

Submission:

Labcorp Genetics (formerly Invitae), Labcorp
Classification: Uncertain significance. Last evaluated: 2022-12-05. Review status: criteria provided, single submitter. Criteria: Invitae Variant Classification Sherloc (09022015). Collection method: clinical testing. Allele origin: germline.
Comment: This sequence change replaces glycine, which is neutral and non-polar, with valine, which is neutral and non-polar, at codon 971 of the EMC1 protein (p.Gly971Val). This variant is not present in population databases (gnomAD no frequency). This variant has not been reported in the literature in individuals affected with EMC1-related conditions. Advanced modeling of protein sequence and biophysical properties (such as structural, functional, and spatial information, amino acid conservation, physicochemical variation, residue mobility, and thermodynamic stability) performed at Invitae indicates that this missense variant is not expected to disrupt EMC1 protein function. In summary, the available evidence is currently insufficient to determine the role of this variant in disease. Therefore, it has been classified as a Variant of Uncertain Significance.